The following is an entry in ClinVar:

ClinVar aggregate classification (germline): Uncertain significance (1 of 4 stars; one submission).

Conditions:
Imerslund-Grasbeck syndrome. Also called: PERNICIOUS ANEMIA, JUVENILE, DUE TO SELECTIVE INTESTINAL MALABSORPTION OF VITAMIN B12, WITH PROTEINURIA; ENTEROCYTE COBALAMIN MALABSORPTION; ENTEROCYTE INTRINSIC FACTOR RECEPTOR, DEFECT OF; Imerslund-Gräsbeck syndrome; Megaloblastic anemia due to inborn errors of metabolism. Identifiers: Orphanet 35858, MedGen C4551825, MONDO:0009853.

Submission:

Labcorp Genetics (formerly Invitae), Labcorp
Classification: Uncertain significance for Imerslund-Grasbeck syndrome. Last evaluated: 2025-06-12. Review status: criteria provided, single submitter. Criteria: Invitae Variant Classification Sherloc (09022015). Collection method: clinical testing. Allele origin: germline.
Comment: This sequence change replaces asparagine, which is neutral and polar, with tyrosine, which is neutral and polar, at codon 314 of the AMN protein (p.Asn314Tyr). Information on the frequency of this variant in the gnomAD database is not available, as this variant may be reported differently in the database. This variant has not been reported in the literature in individuals affected with AMN-related conditions. ClinVar contains an entry for this variant (Variation ID: 2129397). Experimental studies and prediction algorithms are not available or were not evaluated, and the functional significance of this variant is currently unknown. In summary, the available evidence is currently insufficient to determine the role of this variant in disease. Therefore, it has been classified as a Variant of Uncertain Significance.

NM_030943.4(AMN):c.939_940delinsAT (p.Asn314Tyr)

Genes: AMN (amnion associated transmembrane protein; plus strand), LOC130056554 (ATAC-STARR-seq lymphoblastoid silent region 6136; plus strand). Cytogenetic location: 14q32.32.
Variant type: Indel.
Coding change: c.939_940delinsAT on transcript NM_030943.4 (MANE Select); coding-DNA positions 939 to 940, GA replaced by AT.
Protein change: p.Asn314Tyr; replaces asparagine 314 with tyrosine.
Molecular consequence: missense variant.
Genome position (GRCh38, 1-based): chr14:102,930,019-102,930,020, GA replaced by AT. VCF-style: chr14-102930019-GA-AT. GRCh37 (hg19) VCF-style: chr14-103396356-GA-AT.
Other names: short protein forms N314Y.
Identifiers: ClinVar variation 2129397 (VCV002129397.4), dbSNP rs2542700111, ClinGen allele CA2580088446.